The following is an entry in ClinVar:

ClinVar aggregate classification (germline): Pathogenic/Likely pathogenic. Review status: criteria provided, multiple submitters, no conflicts (2 of 4 stars). 5 submissions from 5 submitters: Pathogenic (3); Likely pathogenic (2). Last evaluated 2025-05-12.

Conditions:
Kabuki syndrome 1 (KABUK1). Also called: KMT2D-Related Kabuki Syndrome. Identifiers: Orphanet 2322, MedGen CN030661, MONDO:0007843, OMIM 147920.

Submissions (5):

Revvity Omics, Revvity
Classification: Likely pathogenic. Last evaluated: 2025-05-12. Review status: criteria provided, single submitter. Criteria: ACMG Guidelines, 2015. Collection method: clinical testing. Allele origin: germline.

GeneDx
Classification: Pathogenic. Last evaluated: 2024-04-15. Review status: criteria provided, single submitter. Criteria: GeneDx Variant Classification Process June 2021. Collection method: clinical testing. Allele origin: germline. Affected: yes.
Comment: Frameshift variant predicted to result in protein truncation or nonsense mediated decay in a gene for which loss of function is a known mechanism of disease; Identified in patients with clinical features of Kabuki syndrome referred for genetic testing at GeneDx and in published literature (PMID: 27302555); Not observed at significant frequency in large population cohorts (gnomAD); This variant is associated with the following publications: (PMID: 27302555)

CeGaT Center for Human Genetics Tuebingen
Classification: Pathogenic. Last evaluated: 2024-04-01. Review status: criteria provided, single submitter. Criteria: CeGaT Center For Human Genetics Tuebingen Variant Classification Criteria Version 2. Collection method: clinical testing. Allele origin: germline. Affected: yes. Observed: 1 variant allele.
Comment: KMT2D: PVS1, PM2, PS2:Moderate, PS4:Moderate

Department of Maternal-Fetal Biology, National Research Institute for Child Health and Development
Classification: Pathogenic for Kabuki syndrome 1. Last evaluated: 2022-01-01. Review status: criteria provided, single submitter. Criteria: ACMG Guidelines, 2015. Collection method: research. Allele origin: de novo. Affected: yes. Observed: 1 variant allele.

Center for Human Genetics, Inc
Classification: Likely pathogenic for Kabuki syndrome 1. Last evaluated: 2016-11-01. Review status: criteria provided, single submitter. Criteria: ACMG Guidelines, 2015. Collection method: clinical testing. Allele origin: germline. Affected: yes.

NM_003482.4(KMT2D):c.8027_8028del (p.Glu2676fs)

Gene: KMT2D (lysine methyltransferase 2D; minus strand). Cytogenetic location: 12q13.12.
Variant type: Microsatellite.
Coding change: c.8027_8028del on transcript NM_003482.4 (MANE Select); coding-DNA positions 8027 to 8028, 2 bases deleted (AG; older notation c.8027_8028delAG).
Protein change: p.Glu2676fs; shifts the reading frame from glutamic acid 2676.
Molecular consequence: frameshift variant.
Genome position (GRCh38, 1-based): chr12:49,039,742-49,039,743, CT deleted on the plus strand (AG on the coding strand, the reverse complement: KMT2D is on the minus strand); deleting any 2 consecutive bases within chr12:49,039,742-49,039,745 gives the same sequence; the c. name uses the placement nearest the transcript's 3' end. VCF-style (leftmost placement, unchanged base first): chr12-49039741-GCT-G. GRCh37 (hg19) VCF-style: chr12-49433524-GCT-G.
Other names: c.8027_8028delAG (NM_003482.3); c.8027_8028del (NM_003482.3); short protein forms E2676fs.
Identifiers: ClinVar variation 547451 (VCV000547451.24), dbSNP rs1555191665, ClinGen allele CA645579672.